The following is an entry in ClinVar:

NM_001321967.2(ATAD1):c.781G>A (p.Ala261Thr)

Gene: ATAD1 (ATPase family AAA domain containing 1; minus strand). Cytogenetic location: 10q23.31.
Variant type: single nucleotide variant.
Coding change: c.781G>A on transcript NM_001321967.2 (MANE Select); coding-DNA position 781, G replaced by A.
Protein change: p.Ala261Thr; replaces alanine 261 with threonine.
Molecular consequence: missense variant. On other transcripts: non-coding transcript variant (1).
Genome position (GRCh38, 1-based): chr10:87,767,723, C>T on the plus strand (G>A on the coding strand, the complement: ATAD1 is on the minus strand). VCF-style: chr10-87767723-C-T. GRCh37 (hg19) VCF-style: chr10-89527480-C-T.
Other names: c.691G>A, p.Ala231Thr (NM_001321968.2); c.424G>A, p.Ala142Thr (NM_001321969.2); c.781G>A, p.Ala261Thr (NM_032810.4); short protein forms A261T, A231T, A142T.
Identifiers: ClinVar variation 1467762 (VCV001467762.6), dbSNP rs2131800079, ClinGen allele CA377488684.

ClinVar aggregate classification (germline): Uncertain significance (1 of 4 stars; one submission).

Submission:

Labcorp Genetics (formerly Invitae), Labcorp
Classification: Uncertain significance. Last evaluated: 2022-01-11. Review status: criteria provided, single submitter. Criteria: Invitae Variant Classification Sherloc (09022015). Collection method: clinical testing. Allele origin: germline.
Comment: This variant has not been reported in the literature in individuals affected with ATAD1-related conditions. Algorithms developed to predict the effect of missense changes on protein structure and function are either unavailable or do not agree on the potential impact of this missense change (SIFT: "Not Available"; PolyPhen-2: "Benign"; Align-GVGD: "Not Available"). In summary, the available evidence is currently insufficient to determine the role of this variant in disease. Therefore, it has been classified as a Variant of Uncertain Significance. This variant is not present in population databases (gnomAD no frequency). This sequence change replaces alanine, which is neutral and non-polar, with threonine, which is neutral and polar, at codon 261 of the ATAD1 protein (p.Ala261Thr).